The following is an entry in ClinVar:

NM_001105247.2(ARMC5):c.1740C>T (p.Leu580=)

Gene: ARMC5 (armadillo repeat containing 5; plus strand). Cytogenetic location: 16p11.2.
Variant type: single nucleotide variant.
Coding change: c.1740C>T on transcript NM_001105247.2 (MANE Select); coding-DNA position 1740, C replaced by T.
Protein change: p.Leu580=; no amino-acid change (leucine 580 retained).
Molecular consequence: synonymous variant.
Genome position (GRCh38, 1-based): chr16:31,464,763, C>T. VCF-style: chr16-31464763-C-T. GRCh37 (hg19) VCF-style: chr16-31476084-C-T.
Other names: c.2025C>T, p.Leu675= (NM_001288767.2); c.1836C>T, p.Leu612= (NM_001301820.1); c.1740C>T, p.Leu580= (NM_024742.2); c.2025C>T (NM_001288767.1).
Identifiers: ClinVar variation 736062 (VCV000736062.6), dbSNP rs201720272, ClinGen allele CA8029766.

ClinVar aggregate classification (germline): Likely benign. Review status: criteria provided, single submitter (1 of 4 stars). 2 submissions from 2 submitters: Likely benign (1). 1 of the submissions does not count toward it. Last evaluated 2019-12-31.

Conditions:
ARMC5-related disorder. Also called: ARMC5-related condition.

Allele frequency attached by ClinVar (database versions not stated): ExAC 0.00010; gnomAD 0.00010; ESP Exome Variant Server 0.00016; gnomAD exomes 0.00017; 1000 Genomes Project 0.00060; 1000 Genomes Project 30x 0.00062; TOPMed 0.00066.
gnomAD v4.1: 557 of 1,599,200 alleles (0.035%); highest among the groups gnomAD compares: Admixed American, 0.09%; no homozygotes.

Submissions (2):

Labcorp Genetics (formerly Invitae), Labcorp
Classification: Likely benign. Last evaluated: 2019-12-31. Review status: criteria provided, single submitter. Criteria: Invitae Variant Classification Sherloc (09022015). Collection method: clinical testing. Allele origin: germline.

PreventionGenetics, part of Exact Sciences
Classification: Likely benign for ARMC5-related condition. Last evaluated: 2023-05-04. Review status: no assertion criteria provided. Collection method: clinical testing. Allele origin: germline. Not counted in ClinVar's aggregate classification.
Comment: This variant is classified as likely benign based on ACMG/AMP sequence variant interpretation guidelines (Richards et al. 2015 PMID: 25741868, with internal and published modifications).